The following is an entry in ClinVar:

ClinVar aggregate classification (germline): Uncertain significance (1 of 4 stars; one submission).

Conditions:
Inborn genetic diseases. Identifiers: MedGen C0950123, MeSH D030342.

Submission:

Ambry Genetics
Classification: Uncertain significance for Inborn genetic diseases. Last evaluated: 2025-12-14. Review status: criteria provided, single submitter. Criteria: Ambry Variant Classification Scheme 2023. Collection method: clinical testing. Allele origin: germline.
Comment: The p.L269S variant (also known as c.806T>C), located in coding exon 7 of the FANCG gene, results from a T to C substitution at nucleotide position 806. The leucine at codon 269 is replaced by serine, an amino acid with dissimilar properties. This amino acid position is conserved. In addition, the in silico prediction for this alteration is inconclusive. Based on the available evidence, the clinical significance of this variant remains unclear.

NM_004629.2(FANCG):c.806T>C (p.Leu269Ser)

Gene: FANCG (FA complementation group G; minus strand). Cytogenetic location: 9p13.3.
Variant type: single nucleotide variant.
Coding change: c.806T>C on transcript NM_004629.2 (MANE Select); coding-DNA position 806, T replaced by C.
Protein change: p.Leu269Ser; replaces leucine 269 with serine.
Molecular consequence: missense variant.
Genome position (GRCh38, 1-based): chr9:35,076,842, A>G on the plus strand (T>C on the coding strand, the complement: FANCG is on the minus strand). VCF-style: chr9-35076842-A-G. GRCh37 (hg19) VCF-style: chr9-35076839-A-G.
Other names: short protein forms L269S.
Identifiers: ClinVar variation 4619406 (VCV004619406.1).